The following is an entry in ClinVar:

ClinVar aggregate classification (germline): Conflicting classifications of pathogenicity. Review status: criteria provided, conflicting classifications (1 of 4 stars). 4 submissions from 4 submitters: Uncertain significance (2); Likely benign (2). Last evaluated 2026-01-26.

Conditions:
Inborn genetic diseases. Identifiers: MedGen C0950123, MeSH D030342.
3M syndrome 2. Also called: 3-M Syndrome, OBSL1-Related; THREE M SYNDROME 2. Identifiers: Orphanet 2616, MedGen C2752041, MONDO:0013039, OMIM 612921.

Allele frequency attached by ClinVar (database versions not stated): gnomAD 0.00016; TOPMed 0.00018; ESP Exome Variant Server 0.00038.
gnomAD v4.1: 255 of 1,613,906 alleles (0.016%); highest among the groups gnomAD compares: South Asian, 0.0077%; no homozygotes.

Submissions (4):

Labcorp Genetics (formerly Invitae), Labcorp
Classification: Likely benign. Last evaluated: 2026-01-26. Review status: criteria provided, single submitter. Criteria: Invitae Variant Classification Sherloc (09022015). Collection method: clinical testing. Allele origin: germline.

Women's Health and Genetics/Laboratory Corporation of America, LabCorp
Classification: Likely benign. Last evaluated: 2023-10-11. Review status: criteria provided, single submitter. Criteria: LabCorp Variant Classification Summary - May 2015. Collection method: clinical testing. Allele origin: germline.
Comment: Variant summary: OBSL1 c.2887G>A (p.Glu963Lys) results in a conservative amino acid change located in the Immunoglobulin subtype 2 domain (IPR003598) of the encoded protein sequence. Five of five in-silico tools predict a benign effect of the variant on protein function. The variant allele was found at a frequency of 0.00026 in 280568 control chromosomes, predominantly at a frequency of 0.0053 within the Ashkenazi Jewish subpopulation in the gnomAD database. The observed variant frequency within Ashkenazi Jewish control individuals in the gnomAD database is approximately five fold of the estimated maximal expected allele frequency for a pathogenic variant in OBSL1 causing Three M Syndrome 2 phenotype (0.0011), strongly suggesting that the variant is a benign polymorphism found primarily in populations of Ashkenazi Jewish origin. To our knowledge, no occurrence of c.2887G>A in individuals affected with Three M Syndrome 2 and no experimental evidence demonstrating its impact on protein function have been reported. Three submitters have cited clinical-significance assessments for this variant to ClinVar after 2014 and classified this variant as uncertain significance (n=2) and likely benign (n=1). Based on the evidence outlined above, the variant was classified as likely benign.

Ambry Genetics
Classification: Uncertain significance for Inborn genetic diseases. Last evaluated: 2022-01-04. Review status: criteria provided, single submitter. Criteria: Ambry Variant Classification Scheme 2023. Collection method: clinical testing. Allele origin: germline.

Illumina Laboratory Services, Illumina
Classification: Uncertain significance for 3M syndrome 2. Last evaluated: 2018-01-12. Review status: criteria provided, single submitter. Criteria: ICSL Variant Classification Criteria 13 December 2019. Collection method: clinical testing. Allele origin: germline.

NM_015311.3(OBSL1):c.2887G>A (p.Glu963Lys)

Gene: OBSL1 (obscurin like cytoskeletal adaptor 1; minus strand). Cytogenetic location: 2q35.
Variant type: single nucleotide variant.
Coding change: c.2887G>A on transcript NM_015311.3 (MANE Select); coding-DNA position 2887, G replaced by A.
Protein change: p.Glu963Lys; replaces glutamic acid 963 with lysine.
Molecular consequence: missense variant.
Genome position (GRCh38, 1-based): chr2:219,562,468, C>T on the plus strand (G>A on the coding strand, the complement: OBSL1 is on the minus strand). VCF-style: chr2-219562468-C-T. GRCh37 (hg19) VCF-style: chr2-220427190-C-T.
Other names: c.2887G>A, p.Glu963Lys (NM_001173408.2, NM_001173431.2); short protein forms E963K.
Identifiers: ClinVar variation 334498 (VCV000334498.15), dbSNP rs199584687, ClinGen allele CA2131065.